The following is an entry in ClinVar:

NM_018122.5(DARS2):c.1675-1256_*115delinsGCAACATTTCGGCAACATTCCAACC

Gene: DARS2 (aspartyl-tRNA synthetase 2, mitochondrial; plus strand). Cytogenetic location: 1q25.1.
Variant type: Indel.
Coding change: c.1675-1256_*115delinsGCAACATTTCGGCAACATTCCAACC on transcript NM_018122.5 (MANE Select); 1256 bases into the intron before coding-DNA position 1675 through 115 bases downstream of the stop codon, the reference bases replaced by GCAACATTTCGGCAACATTCCAACC.
Molecular consequence: splice acceptor variant, splice donor variant.
Genome position (GRCh38, 1-based): chr1:173,855,410-173,857,820, 2,411 bases replaced. GRCh37 (hg19): chr1:173,824,548-173,826,958.
Other names: c.1522-1256_*115delinsGCAACATTTCGGCAACATTCCAACC (NM_001365212.1).
Identifiers: ClinVar variation 3024559 (VCV003024559.1), ClinGen allele CA2740090408.

ClinVar aggregate classification (germline): Pathogenic (1 of 4 stars; one submission).

Conditions:
Leukoencephalopathy with brain stem and spinal cord involvement-high lactate syndrome (LBSL). Also called: Leukoencephalopathy with Brainstem and Spinal Cord Involvement and Lactate Elevation; MITOCHONDRIAL ASPARTYL-tRNA SYNTHETASE DEFICIENCY; LEUKOENCEPHALOPATHY WITH BRAINSTEM AND SPINAL CORD INVOLVEMENT AND LACTATE ELEVATION, MILD. Identifiers: Orphanet 137898, MedGen C1970180, MONDO:0012622, OMIM 611105.

Submission:

Laboratory of Inherited Metabolic Diseases, Research centre for medical genetics
Classification: Pathogenic for Leukoencephalopathy with brain stem and spinal cord involvement-high lactate syndrome. Last evaluated: 2024-02-28. Review status: criteria provided, single submitter. Criteria: ACMG/ClinGen CNV Guidelines, 2019. Collection method: clinical testing. Allele origin: paternal. Affected: yes. Observed: 4 variant alleles, 4 compound heterozygotes.
Comment: pathogenic based on ACMG/ClinGen CNV classification guideline: include 2 exones of the known gene, relevant phenotype, other large rearrangements are well-known to cause LBSL. Four unrelated familes are found in our investigation.